The following is an entry in ClinVar:

NM_194454.3(KRIT1):c.1600G>T (p.Glu534Ter)

Gene: KRIT1 (KRIT1 ankyrin repeat containing; minus strand). Cytogenetic location: 7q21.2.
Variant type: single nucleotide variant.
Coding change: c.1600G>T on transcript NM_194454.3 (MANE Select); coding-DNA position 1600, G replaced by T.
Protein change: p.Glu534Ter; replaces glutamic acid 534 with a stop codon.
Molecular consequence: nonsense.
Genome position (GRCh38, 1-based): chr7:92,214,741, C>A on the plus strand (G>T on the coding strand, the complement: KRIT1 is on the minus strand). VCF-style: chr7-92214741-C-A. GRCh37 (hg19) VCF-style: chr7-91844055-C-A.
Other names: c.1456G>T, p.Glu486Ter (NM_001013406.2, NM_001350669.1, NM_001350670.1); c.886G>T, p.Glu296Ter (NM_001350671.1); c.1600G>T, p.Glu534Ter (NM_001350672.1, NM_001350673.1, NM_001350674.1 and 26 more transcripts); short protein forms E534*, E486*, E296*.
Identifiers: ClinVar variation 4714447 (VCV004714447.1).
Genomic context (GRCh38, chr7:92,214,741, plus strand): 5'-ATGTTATCAGCTTAGCATCAGGAGCTGTATAAAAGCCCTTCAATAAATTATATCTGGCTT[C>A]ATCAAAGAGAATAAGAATAGCTAGTGGGTCTTCAATCTTAAAGGAAAAAGTATAATTTGG-3'

ClinVar aggregate classification (germline): Pathogenic (1 of 4 stars; one submission).

Conditions:
Cerebral cavernous malformation (CCM). Also called: CAVERNOUS ANGIOMA, FAMILIAL; CAVERNOUS ANGIOMATOUS MALFORMATIONS; CEREBRAL CAPILLARY MALFORMATIONS; Cavernous Hemangioma of Brain; Cerebral cavernous malformations; Cerebral cavernous hemangioma (type). Identifiers: Orphanet 221061, MedGen C2919945, MONDO:0000820, OMIM 116860, HP:0033522.

Submission:

Labcorp Genetics (formerly Invitae), Labcorp
Classification: Pathogenic for Cerebral cavernous malformation. Last evaluated: 2025-09-21. Review status: criteria provided, single submitter. Criteria: Invitae Variant Classification Sherloc (09022015). Collection method: clinical testing. Allele origin: germline.
Comment: This sequence change creates a premature translational stop signal (p.Glu534*) in the KRIT1 gene. It is expected to result in an absent or disrupted protein product. Loss-of-function variants in KRIT1 are known to be pathogenic (PMID: 10508515, 11222804, 12404106, 24689081). This variant is not present in population databases (gnomAD no frequency). This variant has not been reported in the literature in individuals affected with KRIT1-related conditions. Algorithms developed to predict the effect of sequence changes on RNA splicing suggest that this variant may disrupt the consensus splice site. For these reasons, this variant has been classified as Pathogenic.

Literature cited by the submitters: PubMed 10508515; PubMed 11222804; PubMed 12404106; PubMed 24689081.